The following is an entry in ClinVar:

ClinVar aggregate classification (germline): Uncertain significance. Review status: criteria provided, multiple submitters, no conflicts (2 of 4 stars). 3 submissions from 3 submitters: Uncertain significance (3). Last evaluated 2025-08-24.

Conditions:
Cardiovascular phenotype. Identifiers: MedGen CN230736.
Long QT syndrome (LQTS). Identifiers: MedGen C0023976, MeSH D008133, MONDO:0002442. Disease mechanism: loss of function. Inheritance: Various modes of inheritance.

Allele frequency attached by ClinVar (database versions not stated): gnomAD exomes below 0.00001.
gnomAD v4.1: 5 of 1,559,556 alleles (0.00032%); highest among the groups gnomAD compares: Non-Finnish European, 0.00043%; no homozygotes.

Submissions (3):

Labcorp Genetics (formerly Invitae), Labcorp
Classification: Uncertain significance for Long QT syndrome. Last evaluated: 2025-08-24. Review status: criteria provided, single submitter. Criteria: Invitae Variant Classification Sherloc (09022015). Collection method: clinical testing. Allele origin: germline.
Comment: This sequence change replaces threonine, which is neutral and polar, with proline, which is neutral and non-polar, at codon 819 of the CACNA1C protein (p.Thr819Pro). This variant is not present in population databases (gnomAD no frequency). This variant has not been reported in the literature in individuals affected with CACNA1C-related conditions. ClinVar contains an entry for this variant (Variation ID: 2184253). Invitae Evidence Modeling of protein sequence and biophysical properties (such as structural, functional, and spatial information, amino acid conservation, physicochemical variation, residue mobility, and thermodynamic stability) indicates that this missense variant is not expected to disrupt CACNA1C protein function with a negative predictive value of 95%. In summary, the available evidence is currently insufficient to determine the role of this variant in disease. Therefore, it has been classified as a Variant of Uncertain Significance.

Ambry Genetics
Classification: Uncertain significance for Cardiovascular phenotype. Last evaluated: 2023-03-01. Review status: criteria provided, single submitter. Criteria: Ambry Variant Classification Scheme 2023. Collection method: clinical testing. Allele origin: germline.
Comment: The p.T819P variant (also known as c.2455A>C), located in coding exon 17 of the CACNA1C gene, results from an A to C substitution at nucleotide position 2455. The threonine at codon 819 is replaced by proline, an amino acid with highly similar properties. This amino acid position is highly conserved in available vertebrate species. In addition, this alteration is predicted to be deleterious by in silico analysis. Since supporting evidence is limited at this time, the clinical significance of this alteration remains unclear.

Blueprint Genetics
Classification: Uncertain significance. Last evaluated: 2021-04-14. Review status: criteria provided, single submitter. Criteria: ACMG Guidelines, 2015. Collection method: clinical testing. Allele origin: germline.

NM_000719.7(CACNA1C):c.2455A>C (p.Thr819Pro)

Gene: CACNA1C (calcium voltage-gated channel subunit alpha1 C; plus strand). Cytogenetic location: 12p13.33.
Variant type: single nucleotide variant.
Coding change: c.2455A>C on transcript NM_000719.7 (MANE Select); coding-DNA position 2455, A replaced by C.
Protein change: p.Thr819Pro; replaces threonine 819 with proline.
Molecular consequence: missense variant.
Genome position (GRCh38, 1-based): chr12:2,585,491, A>C. VCF-style: chr12-2585491-A-C. GRCh37 (hg19) VCF-style: chr12-2694657-A-C.
Other names: c.2455A>C, p.Thr819Pro (NM_001129827.2, NM_001129829.2, NM_001129830.3 and 18 more transcripts); c.2446A>C, p.Thr816Pro (NM_001129844.2); short protein forms T819P, T816P.
Identifiers: ClinVar variation 2184253 (VCV002184253.4), dbSNP rs1453935757, ClinGen allele CA383371852.
Genomic context (GRCh38, chr12:2,585,491, plus strand): 5'-TCCAAGGAGGAGAAGATTGAGCTGAAATCCATCACGGCTGACGGAGAGTCTCCACCCGCC[A>C]CCAAGGTGAGGAGCTGTCTCCTTCCTGGAGCTGTGAGGCCGGTGCTGGGGAGGGAGGGCC-3'
Protein context (NP_000710.5, residues 809-829): ITADGESPPA[Thr819Pro]KINMDDLQPN